The following is an entry in ClinVar:

ClinVar aggregate classification (germline): Uncertain significance (1 of 4 stars; one submission).

Conditions:
Familial melanoma. Also called: Hereditary melanoma; Hereditary cutaneous melanoma. Identifiers: Orphanet 618, MedGen C1512419, MONDO:0018961.

Submission:

Labcorp Genetics (formerly Invitae), Labcorp
Classification: Uncertain significance for Familial melanoma. Last evaluated: 2025-09-27. Review status: criteria provided, single submitter. Criteria: Invitae Variant Classification Sherloc (09022015). Collection method: clinical testing. Allele origin: germline.
Comment: This sequence change affects an acceptor splice site in intron 2 of the CDK4 gene. It is expected to disrupt RNA splicing. Variants that disrupt the donor or acceptor splice site typically lead to a loss of protein function (PMID: 16199547), however the current clinical and genetic evidence is not sufficient to establish whether loss-of-function variants in CDK4 cause disease. This variant is not present in population databases (gnomAD no frequency). This variant has not been reported in the literature in individuals affected with CDK4-related conditions. Algorithms developed to predict the effect of sequence changes on RNA splicing suggest that this variant may disrupt the consensus splice site. In summary, the available evidence is currently insufficient to determine the role of this variant in disease. Therefore, it has been classified as a Variant of Uncertain Significance.

Literature cited by the submitters: PubMed 16199547.

NM_000075.4(CDK4):c.219-1G>C

Gene: CDK4 (cyclin dependent kinase 4; minus strand). Cytogenetic location: 12q14.1.
Variant type: single nucleotide variant.
Coding change: c.219-1G>C on transcript NM_000075.4 (MANE Select); the canonical splice acceptor site of the intron before coding-DNA position 219, G replaced by C.
Molecular consequence: splice acceptor variant.
Genome position (GRCh38, 1-based): chr12:57,751,343, C>G on the plus strand (G>C on the coding strand, the complement: CDK4 is on the minus strand). VCF-style: chr12-57751343-C-G. GRCh37 (hg19) VCF-style: chr12-58145126-C-G.
Identifiers: ClinVar variation 4738468 (VCV004738468.1).
Genomic context (GRCh38, chr12:57,751,343, plus strand): 5'-AACACCAGGGTTACCTTGATCTCCCGGTCAGTTCGGGATGTGGCACAGACGTCCATCAGC[C>G]TGACCAGAGTAAATGCTCACTTTTCAATCCCCTTTAACCCAACATGGCCTCTCATTATTT-3'